The following is an entry in ClinVar:

ClinVar aggregate classification (germline): Benign (0 of 4 stars; one submission).

Conditions:
BIRC6-related disorder. Also called: BIRC6-related condition.

Allele frequency attached by ClinVar (database versions not stated): 1000 Genomes Project 0.03534; 1000 Genomes Project 30x 0.03592; TOPMed 0.07130; gnomAD 0.07187; ExAC 0.07515; ESP Exome Variant Server 0.08335; gnomAD exomes 0.09880.
gnomAD v4.1: 155,037 of 1,613,810 alleles (9.6%); highest among the groups gnomAD compares: Non-Finnish European, 11%; 8,591 homozygotes.

Submission:

PreventionGenetics, part of Exact Sciences
Classification: Benign for BIRC6-related condition. Last evaluated: 2019-10-18. Review status: no assertion criteria provided. Collection method: clinical testing. Allele origin: germline.
Comment: This variant is classified as benign based on ACMG/AMP sequence variant interpretation guidelines (Richards et al. 2015 PMID: 25741868, with internal and published modifications).

NM_016252.4(BIRC6):c.10650T>C (p.Cys3550=)

Gene: BIRC6 (baculoviral IAP repeat containing 6; plus strand). Cytogenetic location: 2p22.3.
Variant type: single nucleotide variant.
Coding change: c.10650T>C on transcript NM_016252.4 (MANE Select); coding-DNA position 10650, T replaced by C.
Protein change: p.Cys3550=; no amino-acid change (cysteine 3550 retained).
Molecular consequence: synonymous variant.
Genome position (GRCh38, 1-based): chr2:32,515,071, T>C. VCF-style: chr2-32515071-T-C. GRCh37 (hg19) VCF-style: chr2-32740138-T-C.
Other names: c.10647T>C, p.Cys3549= (NM_001378125.1).
Identifiers: ClinVar variation 3059700 (VCV003059700.2), dbSNP rs34757266, ClinGen allele CA1604835.